The following is an entry in ClinVar:

ClinVar aggregate classification (germline): Uncertain significance. Review status: criteria provided, multiple submitters, no conflicts (2 of 4 stars). 2 submissions from 2 submitters: Uncertain significance (2). Last evaluated 2026-01-23.

Conditions:
X-linked lymphoproliferative disease due to XIAP deficiency. Also called: XIAP-Related Lymphoproliferative Disease, X-Linked; XIAP DEFICIENCY. Identifiers: Orphanet 2442, Orphanet 538934, MedGen C1845076, MONDO:0010385, OMIM 300635.

Submissions (2):

GeneDx
Classification: Uncertain significance. Last evaluated: 2026-01-23. Review status: criteria provided, single submitter. Criteria: GeneDx Variant Classification Process June 2021. Collection method: clinical testing. Allele origin: germline.
Comment: Not observed at significant frequency in large population cohorts (gnomAD); In silico analysis supports that this missense variant has a deleterious effect on protein structure/function; Has not been previously published as pathogenic or benign to our knowledge

Labcorp Genetics (formerly Invitae), Labcorp
Classification: Uncertain significance for X-linked lymphoproliferative disease due to XIAP deficiency. Last evaluated: 2025-11-02. Review status: criteria provided, single submitter. Criteria: Invitae Variant Classification Sherloc (09022015). Collection method: clinical testing. Allele origin: germline.
Comment: This sequence change replaces glutamic acid, which is acidic and polar, with lysine, which is basic and polar, at codon 211 of the XIAP protein (p.Glu211Lys). This variant is not present in population databases (gnomAD no frequency). This variant has not been reported in the literature in individuals affected with XIAP-related conditions. Invitae Evidence Modeling of protein sequence and biophysical properties (such as structural, functional, and spatial information, amino acid conservation, physicochemical variation, residue mobility, and thermodynamic stability) indicates that this missense variant is not expected to disrupt XIAP protein function with a negative predictive value of 80%. In summary, the available evidence is currently insufficient to determine the role of this variant in disease. Therefore, it has been classified as a Variant of Uncertain Significance.

NM_001167.4(XIAP):c.631G>A (p.Glu211Lys)

Gene: XIAP (X-linked inhibitor of apoptosis; plus strand). Cytogenetic location: Xq25.
Variant type: single nucleotide variant.
Coding change: c.631G>A on transcript NM_001167.4 (MANE Select); coding-DNA position 631, G replaced by A.
Protein change: p.Glu211Lys; replaces glutamic acid 211 with lysine.
Molecular consequence: missense variant.
Genome position (GRCh38, 1-based): chrX:123,886,293, G>A. VCF-style: chrX-123886293-G-A. GRCh37 (hg19) VCF-style: chrX-123020143-G-A.
Other names: c.631G>A, p.Glu211Lys (NM_001204401.2, NM_001378590.1, NM_001378591.1 and 1 more transcripts); short protein forms E211K.
Identifiers: ClinVar variation 4741296 (VCV004741296.2).
Genomic context (GRCh38, chrX:123,886,293, plus strand): 5'-TACACAGGTATTGGTGACCAAGTGCAGTGCTTTTGTTGTGGTGGAAAACTGAAAAATTGG[G>A]AACCTTGTGATCGTGCCTGGTCAGAACACAGGCGACACTTTCCTAATTGCTTCTTTGTTT-3'
Protein context (NP_001158.2, residues 201-221): FCCGGKLKNW[Glu211Lys]PCDRAWSEHR